The following is an entry in ClinVar:

NM_005560.6(LAMA5):c.8651C>A (p.Thr2884Asn)

Gene: LAMA5 (laminin subunit alpha 5; minus strand). Cytogenetic location: 20q13.33.
Variant type: single nucleotide variant.
Coding change: c.8651C>A on transcript NM_005560.6 (MANE Select); coding-DNA position 8651, C replaced by A.
Protein change: p.Thr2884Asn; replaces threonine 2884 with asparagine.
Molecular consequence: missense variant.
Genome position (GRCh38, 1-based): chr20:62,313,656, G>T on the plus strand (C>A on the coding strand, the complement: LAMA5 is on the minus strand). VCF-style: chr20-62313656-G-T. GRCh37 (hg19) VCF-style: chr20-60888712-G-T.
Other names: short protein forms T2884N.
Identifiers: ClinVar variation 2069987 (VCV002069987.4), dbSNP rs755858265, ClinGen allele CA9940620.
Genomic context (GRCh38, chr20:62,313,656, plus strand): 5'-CGACTCGGGGCTGCGGAGCCCCTCCCAGGCTGCCCCAGGCCGGGCGGGCTCACCGTGAAG[G>T]TACTGGGGTACCCCCCGACGTAGAAGACGAAGTCGTCTGGCCGCAGGTTGAGCAGCCCCT-3'
Protein context (NP_005551.3, residues 2874-2894): FVFYVGGYPS[Thr2884Asn]FTPPPLLRFP

ClinVar aggregate classification (germline): Uncertain significance (1 of 4 stars; one submission).

Allele frequency attached by ClinVar (database versions not stated): gnomAD exomes 0.00004; ExAC 0.00002; TOPMed 0.00004; gnomAD 0.00005.
gnomAD v4.1: 69 of 1,612,580 alleles (0.0043%); highest among the groups gnomAD compares: Non-Finnish European, 0.0056%; no homozygotes.

Submission:

Labcorp Genetics (formerly Invitae), Labcorp
Classification: Uncertain significance. Last evaluated: 2022-05-05. Review status: criteria provided, single submitter. Criteria: Invitae Variant Classification Sherloc (09022015). Collection method: clinical testing. Allele origin: germline.
Comment: In summary, the available evidence is currently insufficient to determine the role of this variant in disease. Therefore, it has been classified as a Variant of Uncertain Significance. Algorithms developed to predict the effect of missense changes on protein structure and function output the following: SIFT: "Tolerated"; PolyPhen-2: "Benign"; Align-GVGD: "Class C0". The asparagine amino acid residue is found in multiple mammalian species, which suggests that this missense change does not adversely affect protein function. This variant has not been reported in the literature in individuals affected with LAMA5-related conditions. This variant is present in population databases (rs755858265, gnomAD 0.004%). This sequence change replaces threonine, which is neutral and polar, with asparagine, which is neutral and polar, at codon 2884 of the LAMA5 protein (p.Thr2884Asn).